The following is an entry in ClinVar:

ClinVar aggregate classification (germline): Uncertain significance (1 of 4 stars; one submission).

Conditions:
Joubert syndrome 15 (JBTS15). Identifiers: Orphanet 475, MedGen C3280897, MONDO:0013763, OMIM 614464.

Allele frequency attached by ClinVar (database versions not stated): ExAC 0.00002; gnomAD 0.00003; TOPMed 0.00003; gnomAD exomes 0.00004; ESP Exome Variant Server 0.00023.

Submission:

Labcorp Genetics (formerly Invitae), Labcorp
Classification: Uncertain significance for Joubert syndrome 15. Last evaluated: 2023-08-10. Review status: criteria provided, single submitter. Criteria: Invitae Variant Classification Sherloc (09022015). Collection method: clinical testing. Allele origin: germline.
Comment: This sequence change replaces glutamic acid, which is acidic and polar, with lysine, which is basic and polar, at codon 44 of the CEP41 protein (p.Glu44Lys). This variant is present in population databases (rs138907207, gnomAD 0.008%). This variant has not been reported in the literature in individuals affected with CEP41-related conditions. ClinVar contains an entry for this variant (Variation ID: 941930). Advanced modeling of protein sequence and biophysical properties (such as structural, functional, and spatial information, amino acid conservation, physicochemical variation, residue mobility, and thermodynamic stability) performed at Invitae indicates that this missense variant is not expected to disrupt CEP41 protein function. In summary, the available evidence is currently insufficient to determine the role of this variant in disease. Therefore, it has been classified as a Variant of Uncertain Significance.

NM_018718.3(CEP41):c.130G>A (p.Glu44Lys)

Gene: CEP41 (centrosomal protein 41; minus strand). Cytogenetic location: 7q32.2.
Variant type: single nucleotide variant.
Coding change: c.130G>A on transcript NM_018718.3 (MANE Select); coding-DNA position 130, G replaced by A.
Protein change: p.Glu44Lys; replaces glutamic acid 44 with lysine.
Molecular consequence: missense variant. On other transcripts: non-coding transcript variant (1), intron variant (1).
Genome position (GRCh38, 1-based): chr7:130,416,934, C>T on the plus strand (G>A on the coding strand, the complement: CEP41 is on the minus strand). VCF-style: chr7-130416934-C-T. GRCh37 (hg19) VCF-style: chr7-130056775-C-T.
Other names: c.130G>A, p.Glu44Lys (NM_001257158.2); c.98-4694G>A (NM_001257159.2); short protein forms E44K.
Identifiers: ClinVar variation 941930 (VCV000941930.4), dbSNP rs138907207, ClinGen allele CA4485678.